The following is an entry in ClinVar:

NM_004667.6(HERC2):c.471C>T (p.Thr157=)

Gene: HERC2 (HECT and RLD domain containing E3 ubiquitin protein ligase 2; minus strand). Cytogenetic location: 15q13.1.
Variant type: single nucleotide variant.
Coding change: c.471C>T on transcript NM_004667.6 (MANE Select); coding-DNA position 471, C replaced by T.
Protein change: p.Thr157=; no amino-acid change (threonine 157 retained).
Molecular consequence: synonymous variant.
Genome position (GRCh38, 1-based): chr15:28,280,139, G>A on the plus strand (C>T on the coding strand, the complement: HERC2 is on the minus strand). VCF-style: chr15-28280139-G-A. GRCh37 (hg19) VCF-style: chr15-28525285-G-A.
Identifiers: ClinVar variation 3045971 (VCV003045971.5), dbSNP rs147680647, ClinGen allele CA7443701.

ClinVar aggregate classification (germline): Likely benign. Review status: criteria provided, multiple submitters, no conflicts (2 of 4 stars). 3 submissions from 3 submitters: Likely benign (2). 1 of the submissions does not count toward it. Last evaluated 2026-05-01.

Conditions:
HERC2-related disorder. Also called: HERC2-related condition.

Allele frequency attached by ClinVar (database versions not stated): gnomAD exomes 0.00007; ExAC 0.00023; 1000 Genomes Project 30x 0.00031; 1000 Genomes Project 0.00040; gnomAD 0.00065; TOPMed 0.00077; ESP Exome Variant Server 0.00108.
gnomAD v4.1: 196 of 1,614,102 alleles (0.012%); highest among the groups gnomAD compares: African/African-American, 0.22%; no homozygotes.

Submissions (3):

CeGaT Center for Human Genetics Tuebingen
Classification: Likely benign. Last evaluated: 2026-05-01. Review status: criteria provided, single submitter. Criteria: CeGaT Center For Human Genetics Tuebingen Variant Classification Criteria Version 2. Collection method: clinical testing. Allele origin: germline. Affected: yes. Observed: 1 variant allele.
Comment: HERC2: BP4, BP7

Blueprint Genetics
Classification: Likely benign. Last evaluated: 2024-03-19. Review status: criteria provided, single submitter. Criteria: ACMG Guidelines, 2015. Collection method: clinical testing. Allele origin: germline.

PreventionGenetics, part of Exact Sciences
Classification: Likely benign for HERC2-related condition. Last evaluated: 2019-11-11. Review status: no assertion criteria provided. Collection method: clinical testing. Allele origin: germline. Not counted in ClinVar's aggregate classification.
Comment: This variant is classified as likely benign based on ACMG/AMP sequence variant interpretation guidelines (Richards et al. 2015 PMID: 25741868, with internal and published modifications).